The following is an entry in ClinVar:

NM_000053.4(ATP7B):c.462C>A (p.Cys154Ter)

Gene: ATP7B (ATPase copper transporting beta; minus strand). Cytogenetic location: 13q14.3.
Variant type: single nucleotide variant.
Coding change: c.462C>A on transcript NM_000053.4 (MANE Select); coding-DNA position 462, C replaced by A.
Protein change: p.Cys154Ter; replaces cysteine 154 with a stop codon.
Molecular consequence: nonsense.
Genome position (GRCh38, 1-based): chr13:51,974,758, G>T on the plus strand (C>A on the coding strand, the complement: ATP7B is on the minus strand). VCF-style: chr13-51974758-G-T. GRCh37 (hg19) VCF-style: chr13-52548894-G-T.
Other names: c.462C>A, p.Cys154Ter (NM_001005918.3, NM_001243182.2, NM_001406519.1 and 30 more transcripts); c.366C>A, p.Cys122Ter (NM_001406518.1, NM_001406539.1, NM_001406543.1 and 4 more transcripts); short protein forms C122*, C154*.
Identifiers: ClinVar variation 2740932 (VCV002740932.3), dbSNP rs771654032, ClinGen allele CA388043969.

ClinVar aggregate classification (germline): Pathogenic (1 of 4 stars; one submission).

Conditions:
Wilson disease (WND). Also called: Wilson's disease. Identifiers: Orphanet 905, MedGen C0019202, MONDO:0010200, OMIM 277900. Disease mechanism: loss of function.

gnomAD v4.1: 1 of 1,614,160 alleles (0.000062%); highest among the groups gnomAD compares: Non-Finnish European, 0.000085%; no homozygotes.

Submission:

Labcorp Genetics (formerly Invitae), Labcorp
Classification: Pathogenic for Wilson disease. Last evaluated: 2023-08-19. Review status: criteria provided, single submitter. Criteria: Invitae Variant Classification Sherloc (09022015). Collection method: clinical testing. Allele origin: germline.
Comment: This variant is not present in population databases (gnomAD no frequency). This sequence change creates a premature translational stop signal (p.Cys154*) in the ATP7B gene. It is expected to result in an absent or disrupted protein product. Loss-of-function variants in ATP7B are known to be pathogenic (PMID: 10441329, 16283883). This variant has not been reported in the literature in individuals affected with ATP7B-related conditions. For these reasons, this variant has been classified as Pathogenic.

Literature cited by the submitters: PubMed 10441329; PubMed 16283883.